The following is an entry in ClinVar:

ClinVar aggregate classification (germline): Benign (1 of 4 stars; one submission).

Allele frequency attached by ClinVar (database versions not stated): 1000 Genomes Project 0.14677; 1000 Genomes Project 30x 0.14991; gnomAD 0.17299 and 0.17409; TOPMed 0.17449.
gnomAD v4.1: 26,385 of 152,224 alleles (17%); highest among the groups gnomAD compares: Admixed American, 30%; 2,820 homozygotes.

Submission:

GeneDx
Classification: Benign. Last evaluated: 2018-06-14. Review status: criteria provided, single submitter. Criteria: GeneDx Variant Classification (06012015). Collection method: clinical testing. Allele origin: germline. Affected: yes.
Comment: This variant is considered likely benign or benign based on one or more of the following criteria: it is a conservative change, it occurs at a poorly conserved position in the protein, it is predicted to be benign by multiple in silico algorithms, and/or has population frequency not consistent with disease.

NM_002887.4(RARS1):c.1452+271A>T

Gene: RARS1 (arginyl-tRNA synthetase 1; plus strand). Cytogenetic location: 5q34.
Variant type: single nucleotide variant.
Coding change: c.1452+271A>T on transcript NM_002887.4 (MANE Select); 271 bases into the intron after coding-DNA position 1452, A replaced by T.
Molecular consequence: intron variant.
Genome position (GRCh38, 1-based): chr5:168,510,957, A>T. VCF-style: chr5-168510957-A-T. GRCh37 (hg19) VCF-style: chr5-167937962-A-T.
Identifiers: ClinVar variation 669555 (VCV000669555.1), dbSNP rs2290632, ClinGen allele CA12041775.